The following is an entry in ClinVar:

ClinVar aggregate classification (germline): not provided (0 of 4 stars; one submission).

Allele frequency attached by ClinVar (database versions not stated): gnomAD exomes 0.00001 and 0.00004; ExAC 0.00002; gnomAD 0.00002; TOPMed 0.00003.
gnomAD v4.1: 27 of 1,614,176 alleles (0.0017%); highest among the groups gnomAD compares: East Asian, 0.045%; no homozygotes.

Submission:

Human Evolutionary Genetics, Institut Pasteur
No classification provided. Review status: no classification provided. Collection method: not provided. Allele origin: germline.
ClinVar note: Converted during submission from untested to not provided.

NM_001282144.2(NLRX1):c.1608A>C (p.Val536=)

Gene: NLRX1 (NLR family member X1; plus strand). Cytogenetic location: 11q23.3.
Variant type: single nucleotide variant.
Coding change: c.1608A>C on transcript NM_001282144.2 (MANE Select); coding-DNA position 1608, A replaced by C.
Protein change: p.Val536=; no amino-acid change (valine 536 retained).
Molecular consequence: synonymous variant.
Genome position (GRCh38, 1-based): chr11:119,175,211, A>C. VCF-style: chr11-119175211-A-C. GRCh37 (hg19) VCF-style: chr11-119045920-A-C.
Other names: c.1608A>C, p.Val536= (NM_001282143.2, NM_001282358.2, NM_024618.4).
Identifiers: ClinVar variation 103134 (VCV000103134.2), dbSNP rs199476047, ClinGen allele CA230167.